The following is an entry in ClinVar:

NM_002181.4(IHH):c.164A>G (p.Asn55Ser)

Gene: IHH (Indian hedgehog signaling molecule; minus strand). Cytogenetic location: 2q35.
Variant type: single nucleotide variant.
Coding change: c.164A>G on transcript NM_002181.4 (MANE Select); coding-DNA position 164, A replaced by G.
Protein change: p.Asn55Ser; replaces asparagine 55 with serine.
Molecular consequence: missense variant.
Genome position (GRCh38, 1-based): chr2:219,060,304, T>C on the plus strand (A>G on the coding strand, the complement: IHH is on the minus strand). VCF-style: chr2-219060304-T-C. GRCh37 (hg19) VCF-style: chr2-219925026-T-C.
Other names: short protein forms N55S.
Identifiers: ClinVar variation 3006505 (VCV003006505.3), dbSNP rs765052865, ClinGen allele CA2116761.

ClinVar aggregate classification (germline): Uncertain significance (1 of 4 stars; one submission).

Allele frequency attached by ClinVar (database versions not stated): gnomAD exomes below 0.00001; ExAC 0.00001; gnomAD 0.00001.

Submission:

Labcorp Genetics (formerly Invitae), Labcorp
Classification: Uncertain significance. Last evaluated: 2023-02-02. Review status: criteria provided, single submitter. Criteria: Invitae Variant Classification Sherloc (09022015). Collection method: clinical testing. Allele origin: germline.
Comment: This variant has not been reported in the literature in individuals affected with IHH-related conditions. This variant is present in population databases (rs765052865, gnomAD 0.006%). This sequence change replaces asparagine, which is neutral and polar, with serine, which is neutral and polar, at codon 55 of the IHH protein (p.Asn55Ser). Advanced modeling of protein sequence and biophysical properties (such as structural, functional, and spatial information, amino acid conservation, physicochemical variation, residue mobility, and thermodynamic stability) performed at Invitae indicates that this missense variant is not expected to disrupt IHH protein function. In summary, the available evidence is currently insufficient to determine the role of this variant in disease. Therefore, it has been classified as a Variant of Uncertain Significance.